The following is an entry in ClinVar:

ClinVar aggregate classification (germline): Uncertain significance (1 of 4 stars; one submission).

Conditions:
Ataxia-telangiectasia syndrome (AT). Also called: ATAXIA-TELANGIECTASIA, FRESNO VARIANT; Ataxia-telangiectasia, complementation group D; AT, COMPLEMENTATION GROUP C; Cerebello-oculocutaneous telangiectasia; Immunodeficiency with ataxia telangiectasia; Ataxia telangiectasia (A-T). Identifiers: Orphanet 100, MedGen C0004135, MONDO:0008840, OMIM 208900.

Submission:

Labcorp Genetics (formerly Invitae), Labcorp
Classification: Uncertain significance for Ataxia-telangiectasia syndrome. Last evaluated: 2015-09-19. Review status: criteria provided, single submitter. Criteria: Invitae Variant Classification Sherloc (09022015). Collection method: clinical testing. Allele origin: germline.
Comment: This gross duplication event has not been reported in the literature. For these reasons, this variant has been classified as a Variant of Uncertain Significance. This sequence change is a gross duplication of the genomic region encompassing exons 2 (the first coding exon) through 27 of the ATM gene. This duplication extends beyond the edge of the assayed region, and the 5' boundary of this event is not known. Furthermore, the exact position of the duplicated exons cannot be determined from this data, and may or may not be in tandem.

NC_000011.9:g.(?_108098342)_(108158452_?)dup

Gene: ATM (ATM serine/threonine kinase; plus strand). Cytogenetic location: 11q22.3.
Variant type: Duplication.
Identifiers: ClinVar variation 1027029 (VCV001027029.7).